The following is an entry in ClinVar:

NM_002224.4(ITPR3):c.1322A>G (p.Asp441Gly)

Gene: ITPR3 (inositol 1,4,5-trisphosphate receptor type 3; plus strand). Cytogenetic location: 6p21.31.
Variant type: single nucleotide variant.
Coding change: c.1322A>G on transcript NM_002224.4 (MANE Select); coding-DNA position 1322, A replaced by G.
Protein change: p.Asp441Gly; replaces aspartic acid 441 with glycine.
Molecular consequence: missense variant.
Genome position (GRCh38, 1-based): chr6:33,665,126, A>G. VCF-style: chr6-33665126-A-G. GRCh37 (hg19) VCF-style: chr6-33632903-A-G.
Other names: short protein forms D441G.
Identifiers: ClinVar variation 3766319 (VCV003766319.1).

ClinVar aggregate classification (germline): Uncertain significance (1 of 4 stars; one submission).

gnomAD v4.1: 2 of 1,614,152 alleles (0.00012%); highest among the groups gnomAD compares: Middle Eastern, 0.016%; no homozygotes.

Submission:

GeneDx
Classification: Uncertain significance. Last evaluated: 2024-08-26. Review status: criteria provided, single submitter. Criteria: GeneDx Variant Classification Process June 2021. Collection method: clinical testing. Allele origin: germline. Affected: yes.
Comment: Not observed at significant frequency in large population cohorts (gnomAD); In silico analysis supports that this missense variant has a deleterious effect on protein structure/function; Has not been previously published as pathogenic or benign to our knowledge